The following is an entry in ClinVar:

NM_000059.4(BRCA2):c.10041A>G (p.Ile3347Met)

Gene: BRCA2 (BRCA2 DNA repair associated; plus strand). Cytogenetic location: 13q13.1.
Variant type: single nucleotide variant.
Coding change: c.10041A>G on transcript NM_000059.4 (MANE Select); coding-DNA position 10041, A replaced by G.
Protein change: p.Ile3347Met; replaces isoleucine 3347 with methionine.
Molecular consequence: missense variant.
Genome position (GRCh38, 1-based): chr13:32,398,554, A>G. VCF-style: chr13-32398554-A-G. GRCh37 (hg19) VCF-style: chr13-32972691-A-G.
Other names: short protein forms I3347M.
Identifiers: ClinVar variation 231550 (VCV000231550.18), dbSNP rs876659219, ClinGen allele CA10579855.

ClinVar aggregate classification (germline): Uncertain significance. Review status: criteria provided, multiple submitters, no conflicts (2 of 4 stars). 3 submissions from 3 submitters: Uncertain significance (3). Last evaluated 2025-11-12.

Conditions:
Hereditary cancer-predisposing syndrome. Also called: Neoplastic Syndromes, Hereditary; Tumor predisposition; Hereditary Cancer Syndrome; Hereditary neoplastic syndrome. Identifiers: Orphanet 140162, MedGen C0027672, MeSH D009386, MONDO:0015356.
Hereditary breast ovarian cancer syndrome. Also called: BRCA1- and BRCA2-Associated Hereditary Breast and Ovarian Cancer; Hereditary breast and ovarian cancer syndrome; Hereditary breast and ovarian cancer; Hereditary breast and ovarian cancer syndrome (HBOC); Breast and ovarian cancer; Hereditary breast and/or ovarian cancer syndrome. Identifiers: Orphanet 145, MedGen C0677776, MeSH D061325, MONDO:0003582. Disease mechanism: loss of function.

Submissions (3):

Ambry Genetics
Classification: Uncertain significance for Hereditary cancer-predisposing syndrome. Last evaluated: 2025-11-12. Review status: criteria provided, single submitter. Criteria: Ambry Variant Classification Scheme 2023. Collection method: clinical testing. Allele origin: germline.
Comment: The p.I3347M variant (also known as c.10041A>G), located in coding exon 26 of the BRCA2 gene, results from an A to G substitution at nucleotide position 10041. The isoleucine at codon 3347 is replaced by methionine, an amino acid with highly similar properties. This amino acid position is well conserved in available vertebrate species. In addition, this alteration is predicted to be tolerated by in silico analysis. Since supporting evidence is limited at this time, the clinical significance of this alteration remains unclear.

Labcorp Genetics (formerly Invitae), Labcorp
Classification: Uncertain significance for Hereditary breast ovarian cancer syndrome. Last evaluated: 2024-01-09. Review status: criteria provided, single submitter. Criteria: Invitae Variant Classification Sherloc (09022015). Collection method: clinical testing. Allele origin: germline.
Comment: This sequence change replaces isoleucine, which is neutral and non-polar, with methionine, which is neutral and non-polar, at codon 3347 of the BRCA2 protein (p.Ile3347Met). This variant is not present in population databases (gnomAD no frequency). This missense change has been observed in individual(s) with breast cancer (PMID: 31336956, 32438681). ClinVar contains an entry for this variant (Variation ID: 231550). Advanced modeling of protein sequence and biophysical properties (such as structural, functional, and spatial information, amino acid conservation, physicochemical variation, residue mobility, and thermodynamic stability) performed at Invitae indicates that this missense variant is not expected to disrupt BRCA2 protein function with a negative predictive value of 95%. In summary, the available evidence is currently insufficient to determine the role of this variant in disease. Therefore, it has been classified as a Variant of Uncertain Significance.

Color Diagnostics, LLC DBA Color Health
Classification: Uncertain significance for Hereditary cancer-predisposing syndrome. Last evaluated: 2019-05-08. Review status: criteria provided, single submitter. Criteria: ACMG Guidelines, 2015. Collection method: clinical testing. Allele origin: germline.

Literature cited by the submitters: PubMed 31336956 (cited by Labcorp Genetics (formerly Invitae), Labcorp); PubMed 32438681 (cited by Labcorp Genetics (formerly Invitae), Labcorp).